The following is an entry in ClinVar:

ClinVar aggregate classification (germline): Uncertain significance (1 of 4 stars; one submission).

Conditions:
Charcot-Marie-Tooth disease type 2. Also called: Charcot-Marie-Tooth type 2. Identifiers: Orphanet 64746, MedGen C0270914, MONDO:0018993.

Submission:

Labcorp Genetics (formerly Invitae), Labcorp
Classification: Uncertain significance for Charcot-Marie-Tooth disease type 2. Last evaluated: 2022-06-08. Review status: criteria provided, single submitter. Criteria: Invitae Variant Classification Sherloc (09022015). Collection method: clinical testing. Allele origin: germline.
Comment: Algorithms developed to predict the effect of missense changes on protein structure and function are either unavailable or do not agree on the potential impact of this missense change (SIFT: "Deleterious"; PolyPhen-2: "Benign"; Align-GVGD: "Class C65"). This variant has not been reported in the literature in individuals affected with LMNA-related conditions. This variant is not present in population databases (gnomAD no frequency). This sequence change replaces arginine, which is basic and polar, with cysteine, which is neutral and slightly polar, at codon 101 of the LMNA protein (p.Arg101Cys). In summary, the available evidence is currently insufficient to determine the role of this variant in disease. Therefore, it has been classified as a Variant of Uncertain Significance.

NM_170707.4(LMNA):c.301C>T (p.Arg101Cys)

Gene: LMNA (lamin A/C; plus strand). Cytogenetic location: 1q22.
Variant type: single nucleotide variant.
Coding change: c.301C>T on transcript NM_170707.4 (MANE Select); coding-DNA position 301, C replaced by T.
Protein change: p.Arg101Cys; replaces arginine 101 with cysteine.
Molecular consequence: missense variant.
Genome position (GRCh38, 1-based): chr1:156,115,219, C>T. VCF-style: chr1-156115219-C-T. GRCh37 (hg19) VCF-style: chr1-156085010-C-T.
Other names: c.301C>T, p.Arg101Cys (NM_001406992.1, NM_005572.4, NM_001282625.2 and 6 more transcripts); c.-364C>T (NM_001406994.1, NM_001407000.1); c.-101C>T (NM_001406995.1, NM_001407002.1, NM_001406990.1); c.-544C>T (NM_001406999.1); c.-207C>T (NM_001407001.1); c.-123C>T (NM_001406986.1); short protein forms R101C.
Identifiers: ClinVar variation 1951878 (VCV001951878.5), dbSNP rs2527834228, ClinGen allele CA342808692.